The following is an entry in ClinVar:

NM_004366.6(CLCN2):c.1491G>A (p.Gly497=)

Gene: CLCN2 (chloride voltage-gated channel 2; minus strand). Cytogenetic location: 3q27.1.
Variant type: single nucleotide variant.
Coding change: c.1491G>A on transcript NM_004366.6 (MANE Select); coding-DNA position 1491, G replaced by A.
Protein change: p.Gly497=; no amino-acid change (glycine 497 retained).
Molecular consequence: synonymous variant.
Genome position (GRCh38, 1-based): chr3:184,354,564, C>T on the plus strand (G>A on the coding strand, the complement: CLCN2 is on the minus strand). VCF-style: chr3-184354564-C-T. GRCh37 (hg19) VCF-style: chr3-184072352-C-T.
Other names: c.1440G>A, p.Gly480= (NM_001171087.3); c.1359G>A, p.Gly453= (NM_001171088.3); c.1491G>A, p.Gly497= (NM_001171089.3).
Identifiers: ClinVar variation 772764 (VCV000772764.36), dbSNP rs138627624, ClinGen allele CA2734087.

ClinVar aggregate classification (germline): Likely benign. Review status: criteria provided, multiple submitters, no conflicts (2 of 4 stars). 6 submissions from 6 submitters: Likely benign (5). 1 of the submissions does not count toward it. Last evaluated 2025-11-24.

Conditions:
Epilepsy, idiopathic generalized, susceptibility to, 11 (EIG11). Identifiers: Orphanet 307, MedGen C2750893, MONDO:0011875, OMIM 607628.
Leukoencephalopathy with mild cerebellar ataxia and white matter edema (LKPAT). Also called: Leukoencephalopathy with white matter edema; Brain white matter edema; CLCN2-Related Leukoencephalopathy; Leukoencephalopathy with ataxia. Identifiers: Orphanet 363540, MedGen C4554120, MONDO:0014292, OMIM 615651. Disease mechanism: loss of function.
Familial hyperaldosteronism type II. Also called: FH II. Identifiers: Orphanet 404, MedGen C1854107, MONDO:0011576, OMIM 605635.
CLCN2-related disorder. Also called: CLCN2-related condition; CLCN2-related disorders.

Allele frequency attached by ClinVar (database versions not stated): gnomAD 0.00017 and 0.00020; ESP Exome Variant Server 0.00023; TOPMed 0.00023; gnomAD exomes 0.00035; ExAC 0.00039.
gnomAD v4.1: 371 of 1,613,046 alleles (0.023%); highest among the groups gnomAD compares: South Asian, 0.074%; no homozygotes.

Submissions (6):

Labcorp Genetics (formerly Invitae), Labcorp
Classification: Likely benign. Last evaluated: 2025-11-24. Review status: criteria provided, single submitter. Criteria: Invitae Variant Classification Sherloc (09022015). Collection method: clinical testing. Allele origin: germline.

Blueprint Genetics
Classification: Likely benign. Last evaluated: 2024-09-10. Review status: criteria provided, single submitter. Criteria: ACMG Guidelines, 2015. Collection method: clinical testing. Allele origin: germline.

CeGaT Center for Human Genetics Tuebingen
Classification: Likely benign. Last evaluated: 2023-05-01. Review status: criteria provided, single submitter. Criteria: CeGaT Center For Human Genetics Tuebingen Variant Classification Criteria Version 2. Collection method: clinical testing. Allele origin: germline. Affected: yes. Observed: 1 variant allele.
Comment: CLCN2: BP4, BP7

Fulgent Genetics
Classification: Likely benign for Familial hyperaldosteronism type II; Epilepsy, idiopathic generalized, susceptibility to, 11; Leukoencephalopathy with mild cerebellar ataxia and white matter edema. Last evaluated: 2021-12-15. Review status: criteria provided, single submitter. Criteria: ACMG Guidelines, 2015. Collection method: clinical testing. Allele origin: unknown.

Breakthrough Genomics
Classification: Likely benign. Review status: criteria provided, single submitter. Criteria: ACMG Guidelines, 2015. Collection method: not provided. Allele origin: germline. Inheritance: Autosomal recessive inheritance. Affected: yes.

PreventionGenetics, part of Exact Sciences
Classification: Likely benign for CLCN2-related condition. Last evaluated: 2019-10-28. Review status: no assertion criteria provided. Collection method: clinical testing. Allele origin: germline. Not counted in ClinVar's aggregate classification.
Comment: This variant is classified as likely benign based on ACMG/AMP sequence variant interpretation guidelines (Richards et al. 2015 PMID: 25741868, with internal and published modifications).